The following is an entry in ClinVar:

ClinVar aggregate classification (germline): Benign. Review status: criteria provided, single submitter (1 of 4 stars). 2 submissions from 2 submitters: Benign (1). 1 of the submissions does not count toward it. Last evaluated 2024-11-27.

Conditions:
TYR-related disorder. Also called: TYR-related condition.

Submissions (2):

Labcorp Genetics (formerly Invitae), Labcorp
Classification: Benign. Last evaluated: 2024-11-27. Review status: criteria provided, single submitter. Criteria: Invitae Variant Classification Sherloc (09022015). Collection method: clinical testing. Allele origin: germline.

PreventionGenetics, part of Exact Sciences
Classification: Likely benign for TYR-related condition. Last evaluated: 2024-08-13. Review status: no assertion criteria provided. Collection method: clinical testing. Allele origin: germline. Not counted in ClinVar's aggregate classification.
Comment: This variant is classified as likely benign based on ACMG/AMP sequence variant interpretation guidelines (Richards et al. 2015 PMID: 25741868, with internal and published modifications).

NM_000372.5(TYR):c.1037-11_1037-10del

Gene: TYR (tyrosinase; plus strand). Cytogenetic location: 11q14.3.
Variant type: Deletion.
Coding change: c.1037-11_1037-10del on transcript NM_000372.5 (MANE Select); 11 bases into the intron before coding-DNA position 1037 through 10 bases into the intron before coding-DNA position 1037, 2 bases deleted (TT; older notation c.1037-11_1037-10delTT).
Molecular consequence: intron variant.
Genome position (GRCh38, 1-based): chr11:89,227,812-89,227,813, TT deleted; deleting any 2 consecutive bases within chr11:89,227,805-89,227,813 gives the same sequence; the c. name uses the placement nearest the transcript's 3' end. VCF-style (leftmost placement, unchanged base first): chr11-89227804-ATT-A. GRCh37 (hg19) VCF-style: chr11-88960972-ATT-A.
Other names: c.1037-11_1037-10delTT (NM_000372.4).
Identifiers: ClinVar variation 2137233 (VCV002137233.5), dbSNP rs747032303, ClinGen allele CA6221326.